The following is an entry in ClinVar:

NM_031483.7(ITCH):c.1848G>A (p.Thr616=)

Gene: ITCH (itchy E3 ubiquitin protein ligase; plus strand). Cytogenetic location: 20q11.22.
Variant type: single nucleotide variant.
Coding change: c.1848G>A on transcript NM_031483.7 (MANE Select); coding-DNA position 1848, G replaced by A.
Protein change: p.Thr616=; no amino-acid change (threonine 616 retained).
Molecular consequence: synonymous variant.
Genome position (GRCh38, 1-based): chr20:34,480,628, G>A. VCF-style: chr20-34480628-G-A. GRCh37 (hg19) VCF-style: chr20-33068433-G-A.
Other names: c.1848G>A (NM_031483.6); c.1971G>A, p.Thr657= (NM_001257137.3, NM_001324197.2); c.1518G>A, p.Thr506= (NM_001257138.3); c.1848G>A, p.Thr616= (NM_001324198.2).
Identifiers: ClinVar variation 1585161 (VCV001585161.10), dbSNP rs374135990, ClinGen allele CA9821826.
Genomic context (GRCh38, chr20:34,480,628, plus strand): 5'-TTTTAAGCGGTCTTGTTTCCTTTTTTCATAGGCTCTGTTCCATGGGAAATTCATAGACAC[G>A]GGTTTTTCTTTACCATTCTATAAGCGTATCTTGAACAAACCAGTTGGACTCAAGGATTTA-3'
Protein context (NP_113671.3, residues 606-626): MALFHGKFID[Thr616=]GFSLPFYKRI

ClinVar aggregate classification (germline): Likely benign. Review status: criteria provided, single submitter (1 of 4 stars). 2 submissions from 2 submitters: Likely benign (1). 1 of the submissions does not count toward it. Last evaluated 2025-11-19.

Conditions:
ITCH-related disorder. Also called: ITCH-related condition.
Syndromic multisystem autoimmune disease due to ITCH deficiency. Also called: AUTOIMMUNE DISEASE, MULTISYSTEM, WITH FACIAL DYSMORPHISM. Identifiers: Orphanet 228426, MedGen C3150649, MONDO:0013245, OMIM 613385.

Allele frequency attached by ClinVar (database versions not stated): gnomAD exomes 0.00001 and 0.00004; ExAC 0.00002; gnomAD 0.00003 and 0.00004; TOPMed 0.00003; ESP Exome Variant Server 0.00008.
gnomAD v4.1: 28 of 1,613,602 alleles (0.0017%); highest among the groups gnomAD compares: Admixed American, 0.0033%; no homozygotes.

Submissions (2):

Labcorp Genetics (formerly Invitae), Labcorp
Classification: Likely benign for Syndromic multisystem autoimmune disease due to ITCH deficiency. Last evaluated: 2025-11-19. Review status: criteria provided, single submitter. Criteria: Invitae Variant Classification Sherloc (09022015). Collection method: clinical testing. Allele origin: germline.

PreventionGenetics, part of Exact Sciences
Classification: Likely benign for ITCH-related condition. Last evaluated: 2024-01-26. Review status: no assertion criteria provided. Collection method: clinical testing. Allele origin: germline. Not counted in ClinVar's aggregate classification.
Comment: This variant is classified as likely benign based on ACMG/AMP sequence variant interpretation guidelines (Richards et al. 2015 PMID: 25741868, with internal and published modifications).